The following is an entry in ClinVar:

NM_205834.4(LSR):c.779-2A>G

Gene: LSR (lipolysis stimulated lipoprotein receptor; plus strand). Cytogenetic location: 19q13.12.
Variant type: single nucleotide variant.
Coding change: c.779-2A>G on transcript NM_205834.4 (MANE Select); the canonical splice acceptor site of the intron before coding-DNA position 779, A replaced by G.
Molecular consequence: splice acceptor variant.
Genome position (GRCh38, 1-based): chr19:35,266,357, A>G. VCF-style: chr19-35266357-A-G. GRCh37 (hg19) VCF-style: chr19-35757260-A-G.
Other names: c.722-2A>G (NM_015925.7, NM_001260489.2); c.575-2A>G (NM_205835.4, NM_001385215.1); c.455-2A>G (NM_001260490.2).
Identifiers: ClinVar variation 4531715 (VCV004531715.2).

ClinVar aggregate classification (germline): Likely pathogenic (1 of 4 stars; one submission).

Conditions:
Progressive familial intrahepatic cholestasis (PFIC). Also called: Progressive intrahepatic cholestasis; Progressive family intrahepatic cholestasis. Identifiers: Orphanet 172, MedGen C0268312, MONDO:0015762.

Submission:

Victorian Clinical Genetics Services, Murdoch Childrens Research Institute
Classification: Likely pathogenic for Progressive familial intrahepatic cholestasis. Last evaluated: 2025-11-19. Review status: criteria provided, single submitter. Criteria: ACMG Guidelines, 2015. Collection method: clinical testing. Allele origin: germline. Affected: yes.
Comment: This variant is classified as Likely pathogenic. Evidence in support of pathogenic classification: Canonical splice site variant without proven consequence on splicing (no functional evidence available); Variant is absent from gnomAD (v2, v3 and v4); Abnormal splicing is predicted by in silico tools and affected nucleotide is highly conserved. Additional information: This variant is homozygous; This gene is associated with autosomal recessive disease; Alternative nucleotide change(s) at the same canonical splice site are present in gnomAD (highest allele count: v4: 2 heterozygote(s), 0 homozygote(s)); This variant has no previous evidence of pathogenicity; No published segregation evidence has been identified for this variant; No published functional evidence has been identified for this variant; No comparable splice site variants have previous evidence for pathogenicity; Loss of function is a likely mechanism of disease in this gene and is associated with progressive familial intrahepatic cholestasis (MONDO:0015762), LSR-related (PMIDs: 32303357, 30250217, 15265030, 40679108).

Literature cited by the submitters: PubMed 30250217; PubMed 40679108; PubMed 32303357; PubMed 15265030.